The following is an entry in ClinVar:

NM_000810.4(GABRA5):c.1193C>T (p.Ser398Leu)

Gene: GABRA5 (gamma-aminobutyric acid type A receptor subunit alpha5; plus strand). Cytogenetic location: 15q12.
Variant type: single nucleotide variant.
Coding change: c.1193C>T on transcript NM_000810.4 (MANE Select); coding-DNA position 1193, C replaced by T.
Protein change: p.Ser398Leu; replaces serine 398 with leucine.
Molecular consequence: missense variant.
Genome position (GRCh38, 1-based): chr15:26,948,037, C>T. VCF-style: chr15-26948037-C-T. GRCh37 (hg19) VCF-style: chr15-27193184-C-T.
Other names: c.1193C>T, p.Ser398Leu (NM_001165037.2); short protein forms S398L.
Identifiers: ClinVar variation 5038810 (VCV005038810.1).

ClinVar aggregate classification (germline): Likely benign (1 of 4 stars; one submission).

gnomAD v4.1: 353 of 1,606,656 alleles (0.022%); highest among the groups gnomAD compares: African/African-American, 0.42%; 1 homozygote.

Submission:

CeGaT Center for Human Genetics Tuebingen
Classification: Likely benign. Last evaluated: 2026-08-01. Review status: criteria provided, single submitter. Criteria: CeGaT Center For Human Genetics Tuebingen Variant Classification Criteria Version 2. Collection method: clinical testing. Allele origin: germline. Affected: yes. Observed: 2 variant alleles.
Comment: GABRA5: BP4, BS1